The following is an entry in ClinVar:

GRCh37/hg19 Xp11.22-q11.2(chrX:53731940-63932866)x3

Genes: ALAS2 (5'-aminolevulinate synthase 2; minus strand), AMER1 (APC membrane recruitment protein 1; minus strand), APEX2 (apurinic/apyrimidinic endodeoxyribonuclease 2; plus strand), ARHGEF9 (Cdc42 guanine nucleotide exchange factor 9; minus strand), ASB12 (ankyrin repeat and SOCS box containing 12; minus strand) and 31 more. Cytogenetic location: Xp11.22-q11.2.
Variant type: copy number gain.
Change: copy number 3 of chrX:53,731,940-63,932,866 (10.20 Mb, GRCh37 coordinates, 1-based), cytogenetic band Xp11.22-q11.2.
Identifiers: ClinVar variation 1807829 (VCV001807829.1).

ClinVar aggregate classification (germline): Likely pathogenic (1 of 4 stars; one submission).

Submission:

Quest Diagnostics Nichols Institute San Juan Capistrano
Classification: Likely pathogenic. Last evaluated: 2021-12-16. Review status: criteria provided, single submitter. Criteria: ACMG/ClinGen CNV Guidelines, 2019. Collection method: clinical testing. Allele origin: unknown.
Comment: The copy number gain of Xp11.22q11.2 involves protein-coding genes, including UBQLN2 (OMIM 300264), AMER1 (OMIM 300647), ALAS2 (OMIM301300), and ARHGEF9 (OMIM 300429), among multiple other genes; the XIST gene is not listed in this segment, so it is presumed that the marker chromosome of X chromosome origin does not get inactivated. One published report of two female patients, each with a small supernumerary X pericentromeric marker chromosome, showed small hands and feet, minor facial anomalies, obesity, and intellectual disability (Am J Med Genet. 1998 Feb 26;76(1):45-50.PMID:9508064). While the duplication overlaps part of the Xp11.22 duplication syndrome region, the current interval does not include genes implicated in the Xp11.22 duplication syndrome phenotype, such as HSD17B10 and HUWE1. Copy number gains of this locus have not yet been associated with a specific clinical phenotype, and there are no similar copy number gains of this region in the general populations of the Database of Genomic Variants. Nevertheless, given the similarity of clinical findings in two patients, published in the report cited above, and the fact that the marker X in this patient does not have the XIST gene, we regard this gain of Xp11.22q11.2 as likely pathogenic.